The following is an entry in ClinVar:

NM_181672.3(OGT):c.2012C>T (p.Ala671Val)

Gene: OGT (O-linked N-acetylglucosamine (GlcNAc) transferase; plus strand). Cytogenetic location: Xq13.1.
Variant type: single nucleotide variant.
Coding change: c.2012C>T on transcript NM_181672.3 (MANE Select); coding-DNA position 2012, C replaced by T.
Protein change: p.Ala671Val; replaces alanine 671 with valine.
Molecular consequence: missense variant.
Genome position (GRCh38, 1-based): chrX:71,562,881, C>T. VCF-style: chrX-71562881-C-T. GRCh37 (hg19) VCF-style: chrX-70782731-C-T.
Other names: c.1982C>T, p.Ala661Val (NM_181673.3); short protein forms A661V, A671V.
Identifiers: ClinVar variation 5002741 (VCV005002741.1).

ClinVar aggregate classification (germline): Uncertain significance (1 of 4 stars; one submission).

Conditions:
Intellectual developmental disorder, X-linked 106. Also called: Intellectual disability, X-linked 106; Mental retardation, X-linked 106. Identifiers: MedGen C4478379, MONDO:0030907, OMIM 300997.

Submission:

OLLIN Analises Genomicas, OLLIN
Classification: Uncertain significance for Intellectual developmental disorder, X-linked 106. Last evaluated: 2026-08-06. Review status: criteria provided, single submitter. Criteria: ACMG Guidelines 2015 PMID 25741868. Collection method: clinical testing. Allele origin: germline. Inheritance: X-linked inheritance.
Comment: This missense variant, located in exon 16 (of 22), has been observed in gnomAD with an allele frequency of 0.000084%, but has not been reported in ClinVar or identified in the literature. In silico analysis is inconclusive regarding the impact of this variant. This gene is constrained for missense variation. According to the currently available evidence, this variant has been classified as uncertain significance (PM2_P, PP2).